The following is an entry in ClinVar:

ClinVar aggregate classification (germline): Uncertain significance. Review status: criteria provided, multiple submitters, no conflicts (2 of 4 stars). 2 submissions from 2 submitters: Uncertain significance (2). Last evaluated 2026-04-06.

Conditions:
Inborn genetic diseases. Identifiers: MedGen C0950123, MeSH D030342.
Granulomatous disease, chronic, X-linked. Also called: CYTOCHROME b-NEGATIVE GRANULOMATOUS DISEASE, CHRONIC, X-LINKED; GRANULOMATOUS DISEASE, CHRONIC, X-LINKED, SOMATIC MOSAIC. Identifiers: Orphanet 379, MedGen C1844376, MONDO:0010600, OMIM 306400.

Allele frequency attached by ClinVar (database versions not stated): gnomAD exomes 0.00002; gnomAD 0.00002; TOPMed 0.00003; ESP Exome Variant Server 0.00009.
gnomAD v4.1: 23 of 1,202,086 alleles (0.0019%); highest among the groups gnomAD compares: Non-Finnish European, 0.0026%; no homozygotes.

Submissions (2):

Ambry Genetics
Classification: Uncertain significance for Inborn genetic diseases. Last evaluated: 2026-04-06. Review status: criteria provided, single submitter. Criteria: Ambry Variant Classification Scheme 2023. Collection method: clinical testing. Allele origin: germline.
Comment: The c.260C>T (p.S87L) alteration is located in exon 4 (coding exon 4) of the CYBB gene. This alteration results from a C to T substitution at nucleotide position 260, causing the serine (S) at amino acid position 87 to be replaced by a leucine (L). Based on data from gnomAD, the T allele has an overall frequency of 0.002% (4/182588) total alleles studied. The highest observed frequency was 0.005% (4/81317) of European (non-Finnish) alleles. Based on insufficient or conflicting evidence, the clinical significance of this alteration remains unclear.

Labcorp Genetics (formerly Invitae), Labcorp
Classification: Uncertain significance for Granulomatous disease, chronic, X-linked. Last evaluated: 2025-10-06. Review status: criteria provided, single submitter. Criteria: Invitae Variant Classification Sherloc (09022015). Collection method: clinical testing. Allele origin: germline.
Comment: This sequence change replaces serine, which is neutral and polar, with leucine, which is neutral and non-polar, at codon 87 of the CYBB protein (p.Ser87Leu). This variant is present in population databases (rs375346967, gnomAD 0.005%), including at least one homozygous and/or hemizygous individual. This variant has not been reported in the literature in individuals affected with CYBB-related conditions. ClinVar contains an entry for this variant (Variation ID: 2139425). Invitae Evidence Modeling of protein sequence and biophysical properties (such as structural, functional, and spatial information, amino acid conservation, physicochemical variation, residue mobility, and thermodynamic stability) has been performed for this missense variant. However, the output from this modeling did not meet the statistical confidence thresholds required to predict the impact of this variant on CYBB protein function. In summary, the available evidence is currently insufficient to determine the role of this variant in disease. Therefore, it has been classified as a Variant of Uncertain Significance.

NM_000397.4(CYBB):c.260C>T (p.Ser87Leu)

Gene: CYBB (cytochrome b-245 beta chain; plus strand). Cytogenetic location: Xp21.1.
Variant type: single nucleotide variant.
Coding change: c.260C>T on transcript NM_000397.4 (MANE Select); coding-DNA position 260, C replaced by T.
Protein change: p.Ser87Leu; replaces serine 87 with leucine.
Molecular consequence: missense variant.
Genome position (GRCh38, 1-based): chrX:37,791,982, C>T. VCF-style: chrX-37791982-C-T. GRCh37 (hg19) VCF-style: chrX-37651235-C-T.
Other names: short protein forms S87L.
Identifiers: ClinVar variation 2139425 (VCV002139425.4), dbSNP rs375346967, ClinGen allele CA10383699.